The following is an entry in ClinVar:

NM_001367624.2(ZNF469):c.2489C>G (p.Ser830Trp)

Gene: ZNF469 (zinc finger protein 469; plus strand). Cytogenetic location: 16q24.2.
Variant type: single nucleotide variant.
Coding change: c.2489C>G on transcript NM_001367624.2 (MANE Select); coding-DNA position 2489, C replaced by G.
Protein change: p.Ser830Trp; replaces serine 830 with tryptophan.
Molecular consequence: missense variant.
Genome position (GRCh38, 1-based): chr16:88,429,959, C>G. VCF-style: chr16-88429959-C-G. GRCh37 (hg19) VCF-style: chr16-88496367-C-G.
Other names: NM_001127464.1:c.2489C>G; short protein forms S830W.
Identifiers: ClinVar variation 2626126 (VCV002626126.2), dbSNP rs773878123, ClinGen allele CA8224776.

ClinVar aggregate classification (germline): Uncertain significance (1 of 4 stars; one submission).

Conditions:
Cardiovascular phenotype. Identifiers: MedGen CN230736.

Allele frequency attached by ClinVar (database versions not stated): ExAC 0.00012.
gnomAD v4.1: 13 of 1,550,332 alleles (0.00084%); highest among the groups gnomAD compares: East Asian, 0.027%; 1 homozygote.

Submission:

Ambry Genetics
Classification: Uncertain significance for Cardiovascular phenotype. Last evaluated: 2023-07-27. Review status: criteria provided, single submitter. Criteria: Ambry Variant Classification Scheme 2023. Collection method: clinical testing. Allele origin: germline.
Comment: The p.S830W variant (also known as c.2489C>G), located in coding exon 1 of the ZNF469 gene, results from a C to G substitution at nucleotide position 2489. The serine at codon 830 is replaced by tryptophan, an amino acid with highly dissimilar properties. This amino acid position is conserved. In addition, this alteration is predicted to be tolerated by in silico analysis. Since supporting evidence is limited at this time, the clinical significance of this alteration remains unclear.